The following is an entry in ClinVar:

NM_006766.5(KAT6A):c.3321AGA[2] (p.Glu1109del)

Gene: KAT6A (lysine acetyltransferase 6A; minus strand). Cytogenetic location: 8p11.21.
Variant type: Microsatellite.
Coding change: c.3321AGA[2] on transcript NM_006766.5 (MANE Select); two copies in a row of the 3-base unit AGA starting at c.3321; the reference has three copies in a row; one copy, 3 bases deleted.
Protein change: p.Glu1109del; deletes glutamic acid 1109.
Molecular consequence: inframe deletion.
Genome position (GRCh38, 1-based): chr8:41,937,279-41,937,281, TCT deleted on the plus strand (AGA on the coding strand, the reverse complement: KAT6A is on the minus strand); deleting any 3 consecutive bases within chr8:41,937,279-41,937,289 gives the same sequence; the position shown is the placement nearest the transcript's 3' end. VCF-style (leftmost placement, unchanged base first): chr8-41937278-ATCT-A. GRCh37 (hg19) VCF-style: chr8-41794796-ATCT-A.
Other names: c.3327_3329delAGA (NM_006766.4, NM_006766.3); short protein forms E1109del.
Identifiers: ClinVar variation 588354 (VCV000588354.21), dbSNP rs3837198, ClinGen allele CA4729719.

ClinVar aggregate classification (germline): Benign/Likely benign. Review status: criteria provided, multiple submitters, no conflicts (2 of 4 stars). 4 submissions from 4 submitters: Benign (2); Likely benign (1). 1 of the submissions does not count toward it. Last evaluated 2026-02-03.

Conditions:
Inborn genetic diseases. Identifiers: MedGen C0950123, MeSH D030342.
KAT6A-related disorder. Also called: KAT6A-related condition.

Submissions (4):

Labcorp Genetics (formerly Invitae), Labcorp
Classification: Benign. Last evaluated: 2026-02-03. Review status: criteria provided, single submitter. Criteria: Invitae Variant Classification Sherloc (09022015). Collection method: clinical testing. Allele origin: germline.

GeneDx
Classification: Likely benign. Last evaluated: 2022-06-08. Review status: criteria provided, single submitter. Criteria: GeneDx Variant Classification Process June 2021. Collection method: clinical testing. Allele origin: germline. Affected: yes.
Comment: See Variant Classification Assertion Criteria.

Ambry Genetics
Classification: Benign for Inborn genetic diseases. Last evaluated: 2016-10-18. Review status: criteria provided, single submitter. Criteria: Ambry Variant Classification Scheme 2023. Collection method: clinical testing. Allele origin: germline.

PreventionGenetics, part of Exact Sciences
Classification: Benign for KAT6A-related condition. Last evaluated: 2019-05-08. Review status: no assertion criteria provided. Collection method: clinical testing. Allele origin: germline. Not counted in ClinVar's aggregate classification.
Comment: This variant is classified as benign based on ACMG/AMP sequence variant interpretation guidelines (Richards et al. 2015 PMID: 25741868, with internal and published modifications).